The following is an entry in ClinVar:

NM_001723.7(DST):c.5930C>G (p.Thr1977Arg)

Gene: DST (dystonin; minus strand). Cytogenetic location: 6p12.1.
Variant type: single nucleotide variant.
Coding change: c.5930C>G on transcript NM_001723.7 (MANE Plus Clinical); coding-DNA position 5930, C replaced by G.
Protein change: p.Thr1977Arg; replaces threonine 1977 with arginine.
Molecular consequence: missense variant. On other transcripts: intron variant (10).
Genome position (GRCh38, 1-based): chr6:56,618,104, G>C on the plus strand (C>G on the coding strand, the complement: DST is on the minus strand). VCF-style: chr6-56618104-G-C. GRCh37 (hg19) VCF-style: chr6-56482902-G-C.
Other names: c.4831-3620C>G (NM_001144769.5); c.4930-3620C>G (NM_001374722.1, NM_001374736.1); c.4957-3620C>G (NM_001374734.1); c.4417-3620C>G (NM_001144770.2); c.4297-3620C>G (NM_001374730.1, NM_001386100.1, NM_183380.4 and 1 more transcripts); c.3319-3620C>G (NM_015548.5); short protein forms T1977R.
Identifiers: ClinVar variation 357560 (VCV000357560.18), dbSNP rs148856756, ClinGen allele CA3870276.

ClinVar aggregate classification (germline): Conflicting classifications of pathogenicity. Review status: criteria provided, conflicting classifications (1 of 4 stars). 4 submissions from 4 submitters: Uncertain significance (3); Likely benign (1). Last evaluated 2026-06-10.

Conditions:
Epidermolysis bullosa simplex 3, localized or generalized intermediate, with BP230 deficiency (EBS3). Also called: Epidermolysis bullosa simplex due to BP230 deficiency; Epidermolysis bullosa simplex, autosomal recessive 2. Identifiers: Orphanet 412181, MedGen C3809470, MONDO:0014180, OMIM 615425.
Hereditary sensory and autonomic neuropathy type 6. Also called: HSAN VI; Neuropathy, hereditary sensory and autonomic, type VI. Identifiers: Orphanet 314381, MedGen C3539003, MONDO:0013839, OMIM 614653.
DST-related disorder. Also called: DST-related disorders; DST-related condition.

Allele frequency attached by ClinVar (database versions not stated): 1000 Genomes Project 30x 0.00031; gnomAD exomes 0.00039; 1000 Genomes Project 0.00040; ExAC 0.00042; TOPMed 0.00049; gnomAD 0.00061 and 0.00065; ESP Exome Variant Server 0.00069.
gnomAD v4.1: 652 of 1,614,140 alleles (0.04%); highest among the groups gnomAD compares: Non-Finnish European, 0.05%; 1 homozygote.

Submissions (4):

Women's Health and Genetics/Laboratory Corporation of America, LabCorp
Classification: Uncertain significance. Last evaluated: 2026-06-10. Review status: criteria provided, single submitter. Criteria: LabCorp Variant Classification Summary - May 2015. Collection method: clinical testing. Allele origin: germline.
Comment: Variant summary: DST c.5930C>G (p.Thr1977Arg) results in a non-conservative amino acid change in the encoded protein sequence. Algorithms developed to predict the effect of missense changes on protein structure and function are either unavailable or do not agree on the potential impact of this missense change. The variant allele was found at a frequency of 0.00039 in 251284 control chromosomes. This frequency is not significantly higher than estimated for disease-causing variants in DST, allowing no conclusion about variant significance. To our knowledge, no occurrence of c.5930C>G in individuals affected with DST-related conditions and no experimental evidence demonstrating its impact on protein function have been reported. ClinVar contains an entry for this variant (Variation ID: 357560). Based on the evidence outlined above, the variant was classified as uncertain significance.

Labcorp Genetics (formerly Invitae), Labcorp
Classification: Uncertain significance for Epidermolysis bullosa simplex 3, localized or generalized intermediate, with BP230 deficiency; Hereditary sensory and autonomic neuropathy type 6. Last evaluated: 2026-01-12. Review status: criteria provided, single submitter. Criteria: Invitae Variant Classification Sherloc (09022015). Collection method: clinical testing. Allele origin: germline.
Comment: This sequence change replaces threonine, which is neutral and polar, with arginine, which is basic and polar, at codon 1977 of the DST protein (p.Thr1977Arg). This variant is present in population databases (rs148856756, gnomAD 0.1%), and has an allele count higher than expected for a pathogenic variant. This variant has not been reported in the literature in individuals affected with DST-related conditions. ClinVar contains an entry for this variant (Variation ID: 357560). An algorithm developed to predict the effect of missense changes on protein structure and function (PolyPhen-2) suggests that this variant is likely to be tolerated. In summary, the available evidence is currently insufficient to determine the role of this variant in disease. Therefore, it has been classified as a Variant of Uncertain Significance.

PreventionGenetics, part of Exact Sciences
Classification: Likely benign for DST-related condition. Last evaluated: 2025-11-07. Review status: criteria provided, single submitter. Criteria: ACMG Guidelines, 2015. Collection method: clinical testing. Allele origin: germline.
Comment: This variant is classified as likely benign based on ACMG/AMP sequence variant interpretation guidelines (Richards et al. 2015 PMID: 25741868, with internal and published modifications).

GeneDx
Classification: Uncertain significance. Last evaluated: 2025-09-09. Review status: criteria provided, single submitter. Criteria: GeneDx Variant Classification Process June 2021. Collection method: clinical testing. Allele origin: germline. Affected: yes.
Comment: In silico analysis suggests that this missense variant does not alter protein structure/function; Has not been previously published as pathogenic or benign to our knowledge